The following is an entry in ClinVar:

NM_015338.6(ASXL1):c.794G>A (p.Arg265His)

Gene: ASXL1 (ASXL transcriptional regulator 1; plus strand). Cytogenetic location: 20q11.21.
Variant type: single nucleotide variant.
Coding change: c.794G>A on transcript NM_015338.6 (MANE Select); coding-DNA position 794, G replaced by A.
Protein change: p.Arg265His; replaces arginine 265 with histidine.
Molecular consequence: missense variant.
Genome position (GRCh38, 1-based): chr20:32,431,396, G>A. VCF-style: chr20-32431396-G-A. GRCh37 (hg19) VCF-style: chr20-31019199-G-A.
Other names: c.611G>A, p.Arg204His (NM_001363734.1); short protein forms R204H, R265H.
Identifiers: ClinVar variation 1393725 (VCV001393725.8), dbSNP rs144349534, ClinGen allele CA9808199.
Genomic context (GRCh38, chr20:32,431,396, plus strand): 5'-ACAGAGGGGAAGAAATAGATTTTGAGACACCTGGGTCCATTCTTGTCAACACCAACCTCC[G>A]TGCCCTGATCAACTCTCGGACCTTCCATGCCTTACCATCACACTTCCAGCAGCAGCTCCT-3'
Protein context (NP_056153.2, residues 255-275): PGSILVNTNL[Arg265His]ALINSRTFHA

ClinVar aggregate classification (germline): Uncertain significance (1 of 4 stars; one submission).

Allele frequency attached by ClinVar (database versions not stated): gnomAD 0.00001; TOPMed 0.00001; ExAC 0.00004; gnomAD exomes 0.00004; ESP Exome Variant Server 0.00008.
gnomAD v4.1: 61 of 1,614,046 alleles (0.0038%); highest among the groups gnomAD compares: Non-Finnish European, 0.0044%; no homozygotes.

Submission:

Labcorp Genetics (formerly Invitae), Labcorp
Classification: Uncertain significance. Last evaluated: 2023-03-16. Review status: criteria provided, single submitter. Criteria: Invitae Variant Classification Sherloc (09022015). Collection method: clinical testing. Allele origin: germline.
Comment: In summary, the available evidence is currently insufficient to determine the role of this variant in disease. Therefore, it has been classified as a Variant of Uncertain Significance. An algorithm developed to predict the effect of missense changes on protein structure and function (PolyPhen-2) suggests that this variant is likely to be disruptive. ClinVar contains an entry for this variant (Variation ID: 1393725). This variant has not been reported in the literature in individuals affected with ASXL1-related conditions. This variant is present in population databases (rs144349534, gnomAD 0.009%). This sequence change replaces arginine, which is basic and polar, with histidine, which is basic and polar, at codon 265 of the ASXL1 protein (p.Arg265His).